The following is an entry in ClinVar:

ClinVar aggregate classification (germline): Uncertain significance. Review status: criteria provided, multiple submitters, no conflicts (2 of 4 stars). 2 submissions from 2 submitters: Uncertain significance (2). Last evaluated 2025-05-23.

Conditions:
Hereditary cancer-predisposing syndrome. Also called: Tumor predisposition; Hereditary Cancer Syndrome; Neoplastic Syndromes, Hereditary; Hereditary neoplastic syndrome. Identifiers: Orphanet 140162, MedGen C0027672, MeSH D009386, MONDO:0015356.

Allele frequency attached by ClinVar (database versions not stated): gnomAD exomes below 0.00001.
gnomAD v4.1: 2 of 1,614,208 alleles (0.00012%); highest among the groups gnomAD compares: African/African-American, 0.0027%; no homozygotes.

Submissions (2):

Ambry Genetics
Classification: Uncertain significance for Hereditary cancer-predisposing syndrome. Last evaluated: 2025-05-23. Review status: criteria provided, single submitter. Criteria: Ambry Variant Classification Scheme 2023. Collection method: clinical testing. Allele origin: germline.
Comment: The p.G854E variant (also known as c.2561G>A), located in coding exon 16 of the PTCH1 gene, results from a G to A substitution at nucleotide position 2561. This variant impacts the first base pair of coding exon 16. The glycine at codon 854 is replaced by glutamic acid, an amino acid with similar properties. This amino acid position is highly conserved in available vertebrate species. In addition, this alteration is predicted to be deleterious by in silico analysis. Based on the available evidence, the clinical significance of this variant remains unclear.

GeneDx
Classification: Uncertain significance. Last evaluated: 2024-02-21. Review status: criteria provided, single submitter. Criteria: GeneDx Variant Classification Process June 2021. Collection method: clinical testing. Allele origin: germline. Affected: yes.
Comment: Not observed at significant frequency in large population cohorts (gnomAD); In silico analysis supports that this missense variant has a deleterious effect on protein structure/function; Has not been previously published as pathogenic or benign to our knowledge; This variant is associated with the following publications: (PMID: 8906794)

NM_000264.5(PTCH1):c.2561G>A (p.Gly854Glu)

Gene: PTCH1 (patched 1; minus strand). Cytogenetic location: 9q22.32.
Variant type: single nucleotide variant.
Coding change: c.2561G>A on transcript NM_000264.5 (MANE Select); coding-DNA position 2561, G replaced by A.
Protein change: p.Gly854Glu; replaces glycine 854 with glutamic acid.
Molecular consequence: missense variant. On other transcripts: non-coding transcript variant (1).
Genome position (GRCh38, 1-based): chr9:95,461,998, C>T on the plus strand (G>A on the coding strand, the complement: PTCH1 is on the minus strand). VCF-style: chr9-95461998-C-T. GRCh37 (hg19) VCF-style: chr9-98224280-C-T.
Other names: c.2363G>A, p.Gly788Glu (NM_001083602.3); c.2558G>A, p.Gly853Glu (NM_001083603.3); c.2108G>A, p.Gly703Glu (NM_001083604.3, NM_001083605.3, NM_001083606.3 and 1 more transcripts); c.2405G>A, p.Gly802Glu (NM_001354918.2); short protein forms G788E, G802E, G854E, G703E, G853E.
Identifiers: ClinVar variation 1793123 (VCV001793123.4), dbSNP rs2136689969, ClinGen allele CA374113597.